The following is an entry in ClinVar:

NM_000540.3(RYR1):c.7201C>G (p.Arg2401Gly)

Gene: RYR1 (ryanodine receptor 1; plus strand). Cytogenetic location: 19q13.2.
Variant type: single nucleotide variant.
Coding change: c.7201C>G on transcript NM_000540.3 (MANE Select); coding-DNA position 7201, C replaced by G.
Protein change: p.Arg2401Gly; replaces arginine 2401 with glycine.
Molecular consequence: missense variant.
Genome position (GRCh38, 1-based): chr19:38,499,808, C>G. VCF-style: chr19-38499808-C-G. GRCh37 (hg19) VCF-style: chr19-38990448-C-G.
Other names: c.7201C>G, p.Arg2401Gly (NM_001042723.2); short protein forms R2401G.
Identifiers: ClinVar variation 659508 (VCV000659508.12), dbSNP rs1481790842, ClinGen allele CA405668834.

ClinVar aggregate classification (germline): Uncertain significance. Review status: criteria provided, multiple submitters, no conflicts (2 of 4 stars). 3 submissions from 3 submitters: Uncertain significance (3). Last evaluated 2025-06-30.

Conditions:
Malignant hyperthermia, susceptibility to, 1 (MHS1). Also called: RYR1-Related Malignant Hyperthermia Susceptibility; Anesthesia related hyperthermia; Malignant hyperpyrexia; Fulminating hyperpyrexia; Pharmacogenic myopathy; Malignant hyperthermia suceptibility 1. Identifiers: Orphanet 423, MedGen C2930980, MONDO:0007783, OMIM 145600.
RYR1-related disorder. Also called: RYR1-related disorders; RYR1-related condition. Identifiers: MedGen CN239331.

Allele frequency attached by ClinVar (database versions not stated): gnomAD 0.00001; TOPMed 0.00001.
gnomAD v4.1: 4 of 1,604,840 alleles (0.00025%); highest among the groups gnomAD compares: Non-Finnish European, 0.00034%; no homozygotes.

Submissions (3):

Color Diagnostics, LLC DBA Color Health
Classification: Uncertain significance for Malignant hyperthermia, susceptibility to, 1. Last evaluated: 2025-06-30. Review status: criteria provided, single submitter. Criteria: ACMG Guidelines, 2015. Collection method: clinical testing. Allele origin: germline.
Comment: This missense variant replaces arginine with glycine at codon 2401 of the RYR1 protein. Computational prediction is inconclusive regarding the impact of this variant on protein structure and function. To our knowledge, functional studies have not been reported for this variant. This variant has not been reported in individuals affected with RYR1-related disorders in the literature. This variant has not been identified in the general population by the Genome Aggregation Database (gnomAD). The available evidence is insufficient to determine the role of this variant in disease conclusively. Therefore, this variant is classified as a Variant of Uncertain Significance.

Labcorp Genetics (formerly Invitae), Labcorp
Classification: Uncertain significance for RYR1-related disorder. Last evaluated: 2023-08-04. Review status: criteria provided, single submitter. Criteria: Invitae Variant Classification Sherloc (09022015). Collection method: clinical testing. Allele origin: germline.
Comment: In summary, the available evidence is currently insufficient to determine the role of this variant in disease. Therefore, it has been classified as a Variant of Uncertain Significance. Advanced modeling of protein sequence and biophysical properties (such as structural, functional, and spatial information, amino acid conservation, physicochemical variation, residue mobility, and thermodynamic stability) has been performed at Invitae for this missense variant, however the output from this modeling did not meet the statistical confidence thresholds required to predict the impact of this variant on RYR1 protein function. ClinVar contains an entry for this variant (Variation ID: 659508). This variant has not been reported in the literature in individuals affected with RYR1-related conditions. This variant is not present in population databases (gnomAD no frequency). This sequence change replaces arginine, which is basic and polar, with glycine, which is neutral and non-polar, at codon 2401 of the RYR1 protein (p.Arg2401Gly).

Revvity Omics, Revvity
Classification: Uncertain significance. Last evaluated: 2019-04-24. Review status: criteria provided, single submitter. Criteria: ACMG Guidelines, 2015. Collection method: clinical testing. Allele origin: germline.